The following is an entry in ClinVar:

ClinVar aggregate classification (germline): Benign/Likely benign. Review status: criteria provided, multiple submitters, no conflicts (2 of 4 stars). 2 submissions from 2 submitters: Benign (1); Likely benign (1). Last evaluated 2025-12-01.

Allele frequency attached by ClinVar (database versions not stated): gnomAD exomes 0.00001; gnomAD 0.00002; TOPMed 0.00002.
gnomAD v4.1: 20 of 1,614,018 alleles (0.0012%); highest among the groups gnomAD compares: Middle Eastern, 0.016%; no homozygotes.

Submissions (2):

CeGaT Center for Human Genetics Tuebingen
Classification: Likely benign. Last evaluated: 2025-12-01. Review status: criteria provided, single submitter. Criteria: CeGaT Center For Human Genetics Tuebingen Variant Classification Criteria Version 2. Collection method: clinical testing. Allele origin: germline. Affected: yes. Observed: 1 variant allele.
Comment: MTOR: BS2

Labcorp Genetics (formerly Invitae), Labcorp
Classification: Benign. Last evaluated: 2024-12-17. Review status: criteria provided, single submitter. Criteria: Invitae Variant Classification Sherloc (09022015). Collection method: clinical testing. Allele origin: germline.

NM_004958.4(MTOR):c.1382C>T (p.Ala461Val)

Gene: MTOR (mechanistic target of rapamycin kinase; minus strand). Cytogenetic location: 1p36.22.
Variant type: single nucleotide variant.
Coding change: c.1382C>T on transcript NM_004958.4 (MANE Select); coding-DNA position 1382, C replaced by T.
Protein change: p.Ala461Val; replaces alanine 461 with valine.
Molecular consequence: missense variant.
Genome position (GRCh38, 1-based): chr1:11,243,144, G>A on the plus strand (C>T on the coding strand, the complement: MTOR is on the minus strand). VCF-style: chr1-11243144-G-A. GRCh37 (hg19) VCF-style: chr1-11303201-G-A.
Other names: short protein forms A461V.
Identifiers: ClinVar variation 762322 (VCV000762322.13), dbSNP rs879770401, ClinGen allele CA17948131.